The following is an entry in ClinVar:

NM_005557.4(KRT16):c.379C>T (p.Arg127Cys)

Gene: KRT16 (keratin 16; minus strand). Cytogenetic location: 17q21.2.
Variant type: single nucleotide variant.
Coding change: c.379C>T on transcript NM_005557.4 (MANE Select); coding-DNA position 379, C replaced by T.
Protein change: p.Arg127Cys; replaces arginine 127 with cysteine.
Molecular consequence: missense variant.
Genome position (GRCh38, 1-based): chr17:41,612,310, G>A on the plus strand (C>T on the coding strand, the complement: KRT16 is on the minus strand). VCF-style: chr17-41612310-G-A. GRCh37 (hg19) VCF-style: chr17-39768562-G-A.
Other names: short protein forms R127C.
Identifiers: ClinVar variation 14601 (VCV000014601.13), dbSNP rs59856285, ClinGen allele CA124157.

ClinVar aggregate classification (germline): Pathogenic. Review status: criteria provided, multiple submitters, no conflicts (2 of 4 stars). 10 submissions from 10 submitters: Pathogenic (8). 2 of the submissions do not count toward it. Last evaluated 2025-08-25.

Conditions:
KRT16-related disorder. Also called: KRT16-related condition.
Palmoplantar keratoderma, nonepidermolytic, focal 1 (FNEPPK1). Identifiers: MedGen C4552049, MONDO:0013073, OMIM 613000.
Pachyonychia congenita 1 (PC1). Also called: KRT16-Related Pachyonychia Congenita; Jadassohn Lewandowsky syndrome; PACHYONYCHIA CONGENITA, LATE ONSET. Identifiers: Orphanet 2309, MedGen C1706595, MONDO:0008173, OMIM 167200.

Allele frequency attached by ClinVar (database versions not stated): gnomAD exomes below 0.00001; gnomAD 0.00001.

Submissions (10):

Labcorp Genetics (formerly Invitae), Labcorp
Classification: Pathogenic. Last evaluated: 2025-08-25. Review status: criteria provided, single submitter. Criteria: Invitae Variant Classification Sherloc (09022015). Collection method: clinical testing. Allele origin: germline.
Comment: This sequence change replaces arginine, which is basic and polar, with cysteine, which is neutral and slightly polar, at codon 127 of the KRT16 protein (p.Arg127Cys). This variant is not present in population databases (gnomAD no frequency). This missense change has been observed in individual(s) with pachyonychia congenita (PMID: 8595410, 31823354). It has also been observed to segregate with disease in related individuals. This variant is also known as R10C. ClinVar contains an entry for this variant (Variation ID: 14601). Invitae Evidence Modeling of protein sequence and biophysical properties (such as structural, functional, and spatial information, amino acid conservation, physicochemical variation, residue mobility, and thermodynamic stability) has been performed for this missense variant. However, the output from this modeling did not meet the statistical confidence thresholds required to predict the impact of this variant on KRT16 protein function. For these reasons, this variant has been classified as Pathogenic.

Institute of Human Genetics, University of Leipzig Medical Center
Classification: Pathogenic for Palmoplantar keratoderma, nonepidermolytic, focal 1. Last evaluated: 2024-06-13. Review status: criteria provided, single submitter. Criteria: ACMG Guidelines, 2015. Collection method: clinical testing. Allele origin: unknown. Inheritance: Autosomal dominant inheritance. Affected: yes.
Comment: Criteria applied: PM5_STR,PS4_MOD,PM1,PP1,PP3

Blueprint Genetics
Classification: Pathogenic for KRT16-related disorders. Last evaluated: 2023-09-06. Review status: criteria provided, single submitter. Criteria: ACMG Guidelines, 2015. Collection method: clinical testing. Allele origin: germline. Affected: yes. Observed: 3 variant alleles.

Victorian Clinical Genetics Services, Murdoch Childrens Research Institute
Classification: Pathogenic for Palmoplantar keratoderma, nonepidermolytic, focal 1. Last evaluated: 2023-07-17. Review status: criteria provided, single submitter. Criteria: ACMG Guidelines, 2015. Collection method: clinical testing. Allele origin: germline. Inheritance: Autosomal dominant inheritance. Affected: yes.
Comment: Based on the classification scheme VCGS_Germline_v1.3.4, this variant is classified as Pathogenic. Following criteria are met: 0105 - The mechanism of disease for this gene is not clearly established. However, gain of function and dominant negative have been suggested (PMID: 22336941). (I) 0107 - This gene is associated with autosomal dominant disease. (I) 0200 - Variant is predicted to result in a missense amino acid change from arginine to cysteine. (I) 0251 - This variant is heterozygous. (I) 0302 - Variant is present in gnomAD (v3) <0.001 for a dominant condition (1 heterozygote, 0 homozygotes). (SP) 0309 - An alternative amino acid change at the same position has been observed in gnomAD (v3) (4 heterozygotes, 0 homozygotes). (I) 0502 - Missense variant with conflicting in silico predictions and uninformative conservation. (I) 0602 - Variant is located in a hotspot region or cluster of pathogenic variants (DECIPHER). (SP) 0801 - This variant has strong previous evidence of pathogenicity in unrelated individuals. This variant has been classified as pathogenic by several clinical laboratories in ClinVar, and has been observed in several families with pachyonychia congenita and palmoplantar keratoderma (PMIDs: 24611874, 8595410) (SP) 0901 - This variant has strong evidence for segregation with disease. This variant has been seen to segregate with disease in ten affected members of one family with palmoplantar keratoderma (PMID: 8595410). (SP) 1208 - Inheritance information for this variant is not currently available in this individual. (I) Legend: (SP) - Supporting pathogenic, (I) - Information, (SB) - Supporting benign

PreventionGenetics, part of Exact Sciences
Classification: Pathogenic for KRT16-related condition. Last evaluated: 2023-02-08. Review status: criteria provided, single submitter. Criteria: ACMG Guidelines, 2015. Collection method: clinical testing. Allele origin: germline.
Comment: The KRT16 c.379C>T variant is predicted to result in the amino acid substitution p.Arg127Cys. This variant has been reported in individuals with non-epidermolytic palmoplantar keratoderma (Shamsher et al. 1995. PubMed ID: 8595410) and in individuals with pachyonychia congenita (Fu et al. 2010. PubMed ID: 21160496; Samuelov et al. 2020. PubMed ID: 31823354; Smith et al. 2005. PubMed ID: 16250206). Of note, other variants impacting p.Arg127 have also been reported in individuals with pachyonychia congenita (Fu et al. 2010. PubMed ID: 21160496). This variant has not been reported in a large population database, indicating this variant is rare, and is reported as pathogenic by several laboratories in ClinVar. This variant is interpreted as pathogenic.

Fulgent Genetics
Classification: Pathogenic for Pachyonychia congenita 1; Palmoplantar keratoderma, nonepidermolytic, focal 1. Last evaluated: 2022-04-21. Review status: criteria provided, single submitter. Criteria: ACMG Guidelines, 2015. Collection method: clinical testing. Allele origin: unknown.

Institute of Human Genetics Munich, TUM University Hospital
Classification: Pathogenic for Pachyonychia congenita 1. Last evaluated: 2017-12-11. Review status: criteria provided, single submitter. Criteria: Classification criteria August 2017. Collection method: clinical testing. Allele origin: paternal. Inheritance: Autosomal dominant inheritance. Affected: yes. Observed: 1 heterozygote.

GeneDx
Classification: Pathogenic. Last evaluated: 2016-07-25. Review status: criteria provided, single submitter. Criteria: GeneDx Variant Classification (06012015). Collection method: clinical testing. Allele origin: germline. Affected: yes.
Comment: The R127C pathogenic variant has been reported in several multi-generation families with focal non-epidermolytic palmoplantar keratoderma (FNEPPK) as well as pachyonychia congenita (PC) (Shamsher, et al., 1995; Fu et al., 2011). In contrast, it was not observed in any of 6,500 control individuals of European and African American ancestry in the NHLBI Exome Sequencing Project, indicating it is not a common benign variant in these populations. R127C is a non-conservative amino acid substitution, which is likely to impact secondary protein structure as these residues differ in polarity, charge, size and/or other properties. This substitution occurs within a known mutational hotspot region (helix initiation motif) that is highly conserved across all species and among all members of the keratin family. Many other pathogenic variants in patients with pachyonychia congenita have been reported in the same codon (R127S/G/H/P) or nearby residues (Q122P, L124H/R/P, N125D/S, L128Q/P, L132P) according to the Human Gene Mutation Database (Stenson et al., 2014). It is well established that keratin gene mutations affecting the residues at the ends of the central rod domains of the keratin proteins (helix initiation and termination motifs) interfere with proper keratin intermediate filament assembly and function, resulting in hyperkeratosis (Chamcheu et al., 2011). Therefore, we consider R127C to be pathogenic.

OMIM
Classification: Pathogenic for PALMOPLANTAR KERATODERMA, NONEPIDERMOLYTIC, FOCAL 1. Last evaluated: 2005-10-01. Review status: no assertion criteria provided. Collection method: literature only. Allele origin: germline. Not counted in ClinVar's aggregate classification.

Epithelial Biology;  Institute of Medical Biology, Singapore
No classification provided. Review status: no classification provided. Collection method: not provided. Allele origin: not provided. Not counted in ClinVar's aggregate classification.

Literature cited by the submitters: PubMed 8595410 (cited by 3 submitters); PubMed 31823354 (cited by Labcorp Genetics (formerly Invitae), Labcorp); PubMed 22336941 (cited by Victorian Clinical Genetics Services, Murdoch Childrens Research Institute); PubMed 24611874 (cited by Victorian Clinical Genetics Services, Murdoch Childrens Research Institute); Stevens, H. P., Kelsell, D. P., Spurr, N. K., Bishop, D. T., Purkis, P. E., Griffiths, W. A. D., Rustin, M. H. A., Leigh, I. M. Keratin staining and linkage of non-epidermolytic focal palmoplantar keratoderma (PPK) to 17q. (Abstract) Brit. J. Derm. 131: 425, 1994. (cited by OMIM); PubMed 16250206 (cited by OMIM).